The following is an entry in ClinVar:

ClinVar aggregate classification (germline): Uncertain significance (1 of 4 stars; one submission).

Conditions:
ABCC12-related condition.

Submission:

PreventionGenetics, part of Exact Sciences
Classification: Uncertain significance for ABCC12-related condition. Last evaluated: 2026-06-09. Review status: criteria provided, single submitter. Criteria: ACMG Guidelines, 2015. Collection method: clinical testing. Allele origin: germline.
Comment: The ABCC12 c.3G>A variant is predicted to disrupt the translation initiation site (Start loss). To our knowledge, this variant has not been reported in the literature. This variant is reported in 0.015% of alleles in individuals of East Asian descent in gnomAD. At this time, the clinical significance of this variant is uncertain due to the absence of conclusive functional and genetic evidence.

NM_001393797.1(ABCC12):c.3G>A (p.Met1Ile)

Gene: ABCC12 (ATP binding cassette subfamily C member 12; minus strand). Cytogenetic location: 16q12.1.
Variant type: single nucleotide variant.
Coding change: c.3G>A on transcript NM_001393797.1 (MANE Select); coding-DNA position 3, G replaced by A.
Protein change: p.Met1Ile; changes the start codon (methionine 1).
Molecular consequence: missense variant, initiator codon variant. On other transcripts: non-coding transcript variant (6).
Genome position (GRCh38, 1-based): chr16:48,146,422, C>T on the plus strand (G>A on the coding strand, the complement: ABCC12 is on the minus strand). VCF-style: chr16-48146422-C-T. GRCh37 (hg19) VCF-style: chr16-48180333-C-T.
Other names: c.3G>A, p.Met1Ile (NM_001392028.1, NM_033226.3); short protein forms M1I.
Identifiers: ClinVar variation 4979759 (VCV004979759.1).